The following is an entry in ClinVar:

NM_000020.3(ACVRL1):c.1288C>T (p.Pro430Ser)

Gene: ACVRL1 (activin A receptor like type 1; plus strand). Cytogenetic location: 12q13.13.
Variant type: single nucleotide variant.
Coding change: c.1288C>T on transcript NM_000020.3 (MANE Select); coding-DNA position 1288, C replaced by T.
Protein change: p.Pro430Ser; replaces proline 430 with serine.
Molecular consequence: missense variant.
Genome position (GRCh38, 1-based): chr12:51,919,026, C>T. VCF-style: chr12-51919026-C-T. GRCh37 (hg19) VCF-style: chr12-52312810-C-T.
Other names: c.1288C>T, p.Pro430Ser (NM_001077401.2, NM_001406487.1, NM_001406488.1 and 1 more transcripts); c.1132C>T, p.Pro378Ser (NM_001406490.1); c.976C>T, p.Pro326Ser (NM_001406491.1, NM_001406492.1, NM_001406493.1); c.778C>T, p.Pro260Ser (NM_001406494.1); c.724C>T, p.Pro242Ser (NM_001406495.1); short protein forms P242S, P260S, P326S, P378S, P430S.
Identifiers: ClinVar variation 4975538 (VCV004975538.1).

ClinVar aggregate classification (germline): Uncertain significance (1 of 4 stars; one submission).

Submission:

GeneDx
Classification: Uncertain significance. Last evaluated: 2026-01-25. Review status: criteria provided, single submitter. Criteria: GeneDx Variant Classification Process June 2021. Collection method: clinical testing. Allele origin: germline.
Comment: Not observed at significant frequency in large population cohorts (gnomAD); In silico analysis supports that this missense variant has a deleterious effect on protein structure/function; Has not been previously published as pathogenic or benign to our knowledge